The following is an entry in ClinVar:

ClinVar aggregate classification (germline): Uncertain significance (1 of 4 stars; one submission).

Conditions:
Hypercholesterolemia, autosomal dominant, 3 (FHCL3). Also called: PCSK9-Related Familial Hypercholesterolemia, Autosomal Dominant; Familial hypercholesterolemia 3; Familial Hypercholesterolemia, Autosomal Dominant, 3. Identifiers: MedGen C1863551, MONDO:0011369, OMIM 603776.

Submission:

Labcorp Genetics (formerly Invitae), Labcorp
Classification: Uncertain significance for Hypercholesterolemia, autosomal dominant, 3. Last evaluated: 2024-12-19. Review status: criteria provided, single submitter. Criteria: Invitae Variant Classification Sherloc (09022015). Collection method: clinical testing. Allele origin: germline.
Comment: This sequence change replaces serine, which is neutral and polar, with asparagine, which is neutral and polar, at codon 127 of the PCSK9 protein (p.Ser127Asn). This variant is not present in population databases (gnomAD no frequency). This variant has not been reported in the literature in individuals affected with PCSK9-related conditions. Invitae Evidence Modeling of protein sequence and biophysical properties (such as structural, functional, and spatial information, amino acid conservation, physicochemical variation, residue mobility, and thermodynamic stability) indicates that this missense variant is not expected to disrupt PCSK9 protein function with a negative predictive value of 80%. This variant disrupts the p.Ser127 amino acid residue in PCSK9. Other variant(s) that disrupt this residue have been determined to be pathogenic (PMID: 12730697, 15358785, 27280970, 33147992). This suggests that this residue is clinically significant, and that variants that disrupt this residue are likely to be disease-causing. In summary, the available evidence is currently insufficient to determine the role of this variant in disease. Therefore, it has been classified as a Variant of Uncertain Significance.

Literature cited by the submitters: PubMed 12730697; PubMed 15358785; PubMed 27280970; PubMed 33147992.

NM_174936.4(PCSK9):c.380G>A (p.Ser127Asn)

Gene: PCSK9 (proprotein convertase subtilisin/kexin type 9; plus strand). Cytogenetic location: 1p32.3.
Variant type: single nucleotide variant.
Coding change: c.380G>A on transcript NM_174936.4 (MANE Select); coding-DNA position 380, G replaced by A.
Protein change: p.Ser127Asn; replaces serine 127 with asparagine.
Molecular consequence: missense variant. On other transcripts: non-coding transcript variant (6), intron variant (1).
Genome position (GRCh38, 1-based): chr1:55,044,015, G>A. VCF-style: chr1-55044015-G-A. GRCh37 (hg19) VCF-style: chr1-55509688-G-A.
Other names: c.503G>A, p.Ser168Asn (NM_001407240.1); c.380G>A, p.Ser127Asn (NM_001407241.1, NM_001407242.1, NM_001407243.1 and 2 more transcripts); c.5G>A, p.Ser2Asn (NM_001407246.1); c.208-2508G>A (NM_001407245.1); short protein forms S127N, S168N, S2N.
Identifiers: ClinVar variation 3610525 (VCV003610525.2).